The following is an entry in ClinVar:

ClinVar aggregate classification (germline): Uncertain significance (1 of 4 stars; one submission).

Conditions:
Cardiomyopathy (CMYO). Also called: Cardiomyopathies. Identifiers: Orphanet 167848, MedGen C0878544, MONDO:0004994, HP:0001638. Inheritance: Various modes of inheritance.

Submission:

Color Diagnostics, LLC DBA Color Health
Classification: Uncertain significance for Cardiomyopathy. Last evaluated: 2025-07-14. Review status: criteria provided, single submitter. Criteria: ACMG Guidelines, 2015. Collection method: clinical testing. Allele origin: germline.
Comment: This missense variant replaces leucine with valine at codon 648 of the RYR2 protein. Computational prediction is inconclusive regarding the impact of this variant on protein structure and function. To our knowledge, functional studies have not been reported for this variant. This variant has not been reported in individuals affected with RYR2-related disorders in the literature. This variant has not been identified in the general population by the Genome Aggregation Database (gnomAD). The available evidence is insufficient to determine the role of this variant in disease conclusively. Therefore, this variant is classified as a Variant of Uncertain Significance.

NM_001035.3(RYR2):c.1942C>G (p.Leu648Val)

Gene: RYR2 (ryanodine receptor 2; plus strand). Cytogenetic location: 1q43.
Variant type: single nucleotide variant.
Coding change: c.1942C>G on transcript NM_001035.3 (MANE Select); coding-DNA position 1942, C replaced by G.
Protein change: p.Leu648Val; replaces leucine 648 with valine.
Molecular consequence: missense variant.
Genome position (GRCh38, 1-based): chr1:237,493,068, C>G. VCF-style: chr1-237493068-C-G. GRCh37 (hg19) VCF-style: chr1-237656368-C-G.
Other names: short protein forms L648V.
Identifiers: ClinVar variation 4757563 (VCV004757563.1).